The following is an entry in ClinVar:

ClinVar aggregate classification (germline): Uncertain significance (1 of 4 stars; one submission).

Conditions:
Inborn genetic diseases. Identifiers: MedGen C0950123, MeSH D030342.

Allele frequency attached by ClinVar (database versions not stated): ExAC 0.00001; gnomAD 0.00001.
gnomAD v4.1: 8 of 1,573,030 alleles (0.00051%); highest among the groups gnomAD compares: South Asian, 0.0057%; no homozygotes.

Submission:

Ambry Genetics
Classification: Uncertain significance for Inborn genetic diseases. Last evaluated: 2022-05-31. Review status: criteria provided, single submitter. Criteria: Ambry Variant Classification Scheme 2023. Collection method: clinical testing. Allele origin: germline.
Comment: The c.5814C>G (p.F1938L) alteration is located in exon 41 (coding exon 40) of the INTS1 gene. This alteration results from a C to G substitution at nucleotide position 5814, causing the phenylalanine (F) at amino acid position 1938 to be replaced by a leucine (L). Based on data from gnomAD, the G allele has an overall frequency of 0.001% (3/246832) total alleles studied. The highest observed frequency was 0.007% (2/27740) of South Asian alleles. This amino acid position is highly conserved in available vertebrate species. This alteration is predicted to be tolerated by in silico analysis. Based on insufficient or conflicting evidence, the clinical significance of this alteration remains unclear.

NM_001080453.3(INTS1):c.5814C>G (p.Phe1938Leu)

Gene: INTS1 (integrator complex subunit 1; minus strand). Cytogenetic location: 7p22.3.
Variant type: single nucleotide variant.
Coding change: c.5814C>G on transcript NM_001080453.3 (MANE Select); coding-DNA position 5814, C replaced by G.
Protein change: p.Phe1938Leu; replaces phenylalanine 1938 with leucine.
Molecular consequence: missense variant.
Genome position (GRCh38, 1-based): chr7:1,474,183, G>C on the plus strand (C>G on the coding strand, the complement: INTS1 is on the minus strand). VCF-style: chr7-1474183-G-C. GRCh37 (hg19) VCF-style: chr7-1513819-G-C.
Other names: c.2331C>G, p.Phe777Leu (NM_015674.1); short protein forms F1938L, F777L.
Identifiers: ClinVar variation 2407324 (VCV002407324.2), dbSNP rs751820201, ClinGen allele CA4118285.